The following is an entry in ClinVar:

NM_007289.4(MME):c.1718T>A (p.Leu573Ter)

Gene: MME (membrane metalloendopeptidase; plus strand). Cytogenetic location: 3q25.2.
Variant type: single nucleotide variant.
Coding change: c.1718T>A on transcript NM_007289.4 (MANE Select); coding-DNA position 1718, T replaced by A.
Protein change: p.Leu573Ter; replaces leucine 573 with a stop codon.
Molecular consequence: nonsense.
Genome position (GRCh38, 1-based): chr3:155,166,959, T>A. VCF-style: chr3-155166959-T-A. GRCh37 (hg19) VCF-style: chr3-154884748-T-A.
Other names: c.1718T>A, p.Leu573Ter (NM_007288.3, NM_000902.5, NM_001354642.2 and 2 more transcripts); short protein forms L573*.
Identifiers: ClinVar variation 2695515 (VCV002695515.3), dbSNP rs2473156024, ClinGen allele CA355218213.
Genomic context (GRCh38, chr3:155,166,959, plus strand): 5'-TAGTCTTCCCAGCCGGCATTCTGCAGCCCCCCTTCTTTAGTGCCCAGCAGTCCAACTCAT[T>A]GAACTATGGGGGCATCGGCATGGTCATAGGACACGAAATCACCCATGGCTTCGATGACAA-3'

ClinVar aggregate classification (germline): Pathogenic (1 of 4 stars; one submission).

Submission:

Labcorp Genetics (formerly Invitae), Labcorp
Classification: Pathogenic. Last evaluated: 2023-11-13. Review status: criteria provided, single submitter. Criteria: Invitae Variant Classification Sherloc (09022015). Collection method: clinical testing. Allele origin: germline.
Comment: This sequence change creates a premature translational stop signal (p.Leu573*) in the MME gene. It is expected to result in an absent or disrupted protein product. Loss-of-function variants in MME are known to be pathogenic (PMID: 26991897). This variant is not present in population databases (gnomAD no frequency). This variant has not been reported in the literature in individuals affected with MME-related conditions. For these reasons, this variant has been classified as Pathogenic.

Literature cited by the submitters: PubMed 26991897.